The following is an entry in ClinVar:

ClinVar aggregate classification (germline): Uncertain significance (1 of 4 stars; one submission).

Submission:

Labcorp Genetics (formerly Invitae), Labcorp
Classification: Uncertain significance. Last evaluated: 2022-11-24. Review status: criteria provided, single submitter. Criteria: Invitae Variant Classification Sherloc (09022015). Collection method: clinical testing. Allele origin: germline.
Comment: This sequence change replaces isoleucine, which is neutral and non-polar, with leucine, which is neutral and non-polar, at codon 595 of the KANK2 protein (p.Ile595Leu). This variant is not present in population databases (gnomAD no frequency). This variant has not been reported in the literature in individuals affected with KANK2-related conditions. Algorithms developed to predict the effect of missense changes on protein structure and function (SIFT, PolyPhen-2, Align-GVGD) all suggest that this variant is likely to be tolerated. In summary, the available evidence is currently insufficient to determine the role of this variant in disease. Therefore, it has been classified as a Variant of Uncertain Significance.

NM_001136191.3(KANK2):c.1783A>C (p.Ile595Leu)

Gene: KANK2 (KN motif and ankyrin repeat domains 2; minus strand). Cytogenetic location: 19p13.2.
Variant type: single nucleotide variant.
Coding change: c.1783A>C on transcript NM_001136191.3 (MANE Select); coding-DNA position 1783, A replaced by C.
Protein change: p.Ile595Leu; replaces isoleucine 595 with leucine.
Molecular consequence: missense variant.
Genome position (GRCh38, 1-based): chr19:11,175,967, T>G on the plus strand (A>C on the coding strand, the complement: KANK2 is on the minus strand). VCF-style: chr19-11175967-T-G. GRCh37 (hg19) VCF-style: chr19-11286643-T-G.
Other names: c.1783A>C, p.Ile595Leu (NM_001329451.2, NM_001379555.1, NM_001379556.1 and 7 more transcripts); c.1807A>C, p.Ile603Leu (NM_001379548.1, NM_001379549.1, NM_001379550.1 and 5 more transcripts); short protein forms I603L, I595L.
Identifiers: ClinVar variation 2781338 (VCV002781338.3), dbSNP rs2512638113, ClinGen allele CA404081529.
Genomic context (GRCh38, chr19:11,175,967, plus strand): 5'-CCCGCTCTGTGAGGGCGTTGGGATTGTCCAGGTACTTTTCCAGGGCCAAGCAGGCTGAGA[T>G]GAGGTCAGGGCTTAGCTCCATCCTGCCAGGAACAGACAAAGCGGGGAACTAAGTAAGCCC-3'
Protein context (NP_001129663.1, residues 585-605): EIRMELSPDL[Ile595Leu]SACLALEKYL